The following is an entry in ClinVar:

ClinVar aggregate classification (germline): Pathogenic (1 of 4 stars; one submission).

Conditions:
Maple syrup urine disease (MSUD). Identifiers: Orphanet 511, MedGen C0024776, MeSH D008375, MONDO:0009563. Disease mechanism: loss of function.

Allele frequency attached by ClinVar (database versions not stated): TOPMed below 0.00001; gnomAD 0.00001.
gnomAD v4.1: 1 of 1,601,052 alleles (0.000062%); highest among the groups gnomAD compares: Non-Finnish European, 0.000085%; no homozygotes.

Submission:

Labcorp Genetics (formerly Invitae), Labcorp
Classification: Pathogenic for Maple syrup urine disease. Last evaluated: 2024-01-25. Review status: criteria provided, single submitter. Criteria: Invitae Variant Classification Sherloc (09022015). Collection method: clinical testing. Allele origin: germline.
Comment: This sequence change creates a premature translational stop signal (p.Lys241*) in the BCKDHB gene. It is expected to result in an absent or disrupted protein product. Loss-of-function variants in BCKDHB are known to be pathogenic (PMID: 16786533, 22593002). This variant is not present in population databases (gnomAD no frequency). This premature translational stop signal has been observed in individual(s) with maple syrup urine disease (PMID: 14517957, 29753318). For these reasons, this variant has been classified as Pathogenic.

Literature cited by the submitters: PubMed 16786533; PubMed 22593002; PubMed 14517957; PubMed 29753318.

NM_183050.4(BCKDHB):c.721A>T (p.Lys241Ter)

Gene: BCKDHB (branched chain keto acid dehydrogenase E1 subunit beta; plus strand). Cytogenetic location: 6q14.1.
Variant type: single nucleotide variant.
Coding change: c.721A>T on transcript NM_183050.4 (MANE Select); coding-DNA position 721, A replaced by T.
Protein change: p.Lys241Ter; replaces lysine 241 with a stop codon.
Molecular consequence: nonsense. On other transcripts: non-coding transcript variant (4).
Genome position (GRCh38, 1-based): chr6:80,171,369, A>T. VCF-style: chr6-80171369-A-T. GRCh37 (hg19) VCF-style: chr6-80881086-A-T.
Other names: c.721A>T, p.Lys241Ter (NM_000056.5, NM_001424035.1, NM_001424036.1 and 7 more transcripts); c.511A>T, p.Lys171Ter (NM_001318975.1, NM_001424043.1); short protein forms K241*, K171*.
Identifiers: ClinVar variation 2734920 (VCV002734920.3), dbSNP rs1159943999, ClinGen allele CA364658742.